The following is an entry in ClinVar:

ClinVar aggregate classification (germline): Pathogenic/Likely pathogenic. Review status: criteria provided, multiple submitters, no conflicts (2 of 4 stars). 4 submissions from 4 submitters: Pathogenic (1); Likely pathogenic (2). 1 of the submissions does not count toward it. Last evaluated 2025-12-30.

Conditions:
Miyoshi muscular dystrophy 1 (MMD1). Identifiers: Orphanet 45448, MedGen C4551973, MONDO:0024545, OMIM 254130.
Autosomal recessive limb-girdle muscular dystrophy type 2B (LGMDR2). Also called: MUSCULAR DYSTROPHY, LIMB-GIRDLE, TYPE 3; MUSCULAR DYSTROPHY, LIMB-GIRDLE, AUTOSOMAL RECESSIVE 2; Limb-girdle muscular dystrophy, type 2B; Limb-Girdle Muscular Dystrophy Type 2B (LGMD2B). Identifiers: Orphanet 268, MedGen C1850889, MONDO:0009676, OMIM 253601.
Neuromuscular disease caused by qualitative or quantitative defects of dysferlin. Also called: Qualitative or quantitative defects of dysferlin; Dysferlinopathy. Identifiers: Orphanet 207073, MedGen C2931687, MONDO:0016145.

Submissions (4):

Labcorp Genetics (formerly Invitae), Labcorp
Classification: Pathogenic for Neuromuscular disease caused by qualitative or quantitative defects of dysferlin. Last evaluated: 2025-12-30. Review status: criteria provided, single submitter. Criteria: Invitae Variant Classification Sherloc (09022015). Collection method: clinical testing. Allele origin: germline.
Comment: This sequence change creates a premature translational stop signal (p.Gln1695Serfs*27) in the DYSF gene. It is expected to result in an absent or disrupted protein product. Loss-of-function variants in DYSF are known to be pathogenic (PMID: 17698709, 20301480). This variant is not present in population databases (gnomAD no frequency). This variant has not been reported in the literature in individuals affected with DYSF-related conditions. ClinVar contains an entry for this variant (Variation ID: 619218). For these reasons, this variant has been classified as Pathogenic.

Natera, Inc.
Classification: Likely pathogenic for Limb-girdle muscular dystrophy type 2B. Last evaluated: 2025-09-19. Review status: criteria provided, single submitter. Criteria: Natera Variant Classification Schema (03/2026). Collection method: clinical testing. Allele origin: germline.
Comment: The c.5083delC variant in DYSF is a frameshift variant predicted to shift the reading frame beginning at codon 1695 and leads to a stop codon 27 codons downstream. This variant is expected to result in nonsense mediated decay, truncation, or a dysfunctional protein product. This variant is rare in the general population with a frequency below the threshold expected for the associated phenotype(s). Given the available evidence, this variant is classified as Likely Pathogenic.

Baylor Genetics
Classification: Likely pathogenic for Miyoshi muscular dystrophy 1. Last evaluated: 2023-08-22. Review status: criteria provided, single submitter. Criteria: ACMG Guidelines, 2015. Collection method: clinical testing. Allele origin: unknown.

Sema4
Classification: Likely pathogenic for Limb-girdle muscular dystrophy, type 2B. Last evaluated: 2018-10-26. Review status: no assertion criteria provided. Collection method: clinical testing. Allele origin: unknown. Not counted in ClinVar's aggregate classification.

Literature cited by the submitters: PubMed 17698709 (cited by Labcorp Genetics (formerly Invitae), Labcorp); PubMed 20301480 (cited by Labcorp Genetics (formerly Invitae), Labcorp).

NM_001130987.2(DYSF):c.5200del (p.Gln1734fs)

Gene: DYSF (dysferlin; plus strand). Cytogenetic location: 2p13.2.
Variant type: Deletion.
Coding change: c.5200del on transcript NM_001130987.2 (MANE Select); coding-DNA position 5200, one base deleted (C; older notation c.5200delC).
Protein change: p.Gln1734fs; shifts the reading frame from glutamine 1734.
Molecular consequence: frameshift variant.
Genome position (GRCh38, 1-based): chr2:71,665,187, C deleted; the last of 2 consecutive C bases (chr2:71,665,186-71,665,187); deleting either gives the same sequence. VCF-style (leftmost placement, unchanged base first): chr2-71665185-AC-A. GRCh37 (hg19) VCF-style: chr2-71892315-AC-A.
Other names: c.5104del, p.Gln1702fs (NM_001130977.2); c.5146del, p.Gln1716fs (NM_001130978.2); c.5176del, p.Gln1726fs (NM_001130979.2); c.5134del, p.Gln1712fs (NM_001130980.2); c.5197del, p.Gln1733fs (NM_001130981.2); c.5179del, p.Gln1727fs (NM_001130982.2); c.5149del, p.Gln1717fs (NM_001130983.2); c.5107del, p.Gln1703fs (NM_001130984.2); and 5 more; short protein forms Q1733fs, Q1695fs, Q1702fs, Q1703fs, Q1712fs, Q1716fs, Q1717fs, Q1734fs.
Identifiers: ClinVar variation 619218 (VCV000619218.11), dbSNP rs1558771348, ClinGen allele CA913189342.